The following is an entry in ClinVar:

NM_138348.6(OTULIN):c.996C>G (p.Leu332=)

Gene: OTULIN (OTU deubiquitinase with linear linkage specificity; plus strand). Cytogenetic location: 5p15.2.
Variant type: single nucleotide variant.
Coding change: c.996C>G on transcript NM_138348.6 (MANE Select); coding-DNA position 996, C replaced by G.
Protein change: p.Leu332=; no amino-acid change (leucine 332 retained).
Molecular consequence: synonymous variant.
Genome position (GRCh38, 1-based): chr5:14,692,985, C>G. VCF-style: chr5-14692985-C-G. GRCh37 (hg19) VCF-style: chr5-14693094-C-G.
Other names: p.Leu332=.
Identifiers: ClinVar variation 717847 (VCV000717847.16), dbSNP rs36111454, ClinGen allele CA3208719.

ClinVar aggregate classification (germline): Benign/Likely benign. Review status: criteria provided, multiple submitters, no conflicts (2 of 4 stars). 6 submissions from 6 submitters: Benign (4); Likely benign (2). Last evaluated 2026-01-23.

Conditions:
Autoinflammation, panniculitis, and dermatosis syndrome, autosomal recessive (AIPDSB). Also called: OTULIN-RELATED AUTOINFLAMMATORY SYNDROME; OTULIPENIA. Identifiers: Orphanet 500062, MedGen C4310614, MONDO:0014912, OMIM 617099.

Allele frequency attached by ClinVar (database versions not stated): ExAC 0.00171; gnomAD 0.00478 and 0.00517; 1000 Genomes Project 0.00539; TOPMed 0.00543; 1000 Genomes Project 30x 0.00562; ESP Exome Variant Server 0.00635.
gnomAD v4.1: 1,431 of 1,614,170 alleles (0.089%); highest among the groups gnomAD compares: African/African-American, 1.6%; 7 homozygotes.

Submissions (6):

Labcorp Genetics (formerly Invitae), Labcorp
Classification: Benign. Last evaluated: 2026-01-23. Review status: criteria provided, single submitter. Criteria: Invitae Variant Classification Sherloc (09022015). Collection method: clinical testing. Allele origin: germline.

Women's Health and Genetics/Laboratory Corporation of America, LabCorp
Classification: Benign. Last evaluated: 2026-01-22. Review status: criteria provided, single submitter. Criteria: LabCorp Variant Classification Summary - May 2015. Collection method: clinical testing. Allele origin: germline.

Mayo Clinic Laboratories, Mayo Clinic
Classification: Benign. Last evaluated: 2025-02-25. Review status: criteria provided, single submitter. Criteria: ACMG Guidelines, 2015. Collection method: clinical testing. Allele origin: germline. Observed: 3 variant alleles.
Comment: BS1, BS2, BP4, BP7

Blueprint Genetics
Classification: Likely benign. Last evaluated: 2024-10-28. Review status: criteria provided, single submitter. Criteria: ACMG Guidelines, 2015. Collection method: clinical testing. Allele origin: germline.

Fulgent Genetics
Classification: Likely benign for Autoinflammation, panniculitis, and dermatosis syndrome, autosomal recessive. Last evaluated: 2021-09-03. Review status: criteria provided, single submitter. Criteria: ACMG Guidelines, 2015. Collection method: clinical testing. Allele origin: unknown.

Breakthrough Genomics
Classification: Benign. Review status: criteria provided, single submitter. Criteria: ACMG Guidelines, 2015. Collection method: not provided. Allele origin: germline. Inheritance: Autosomal recessive inheritance. Affected: yes.